The following is an entry in ClinVar:

ClinVar aggregate classification (germline): Uncertain significance. Review status: criteria provided, single submitter (1 of 4 stars). 3 submissions from 3 submitters: Uncertain significance (1). 2 of the submissions do not count toward it. Last evaluated 2021-08-27.

Conditions:
Schöpf-Schulz-Passarge syndrome. Also called: SchC6pf-Schulz-Passarge syndrome; ECCRINE TUMORS WITH ECTODERMAL DYSPLASIA; KERATOSIS PALMOPLANTARIS WITH CYSTIC EYELIDS, HYPODONTIA, AND HYPOTRICHOSIS. Identifiers: Orphanet 50944, MedGen C1857069, MONDO:0009145, OMIM 224750.
Tooth agenesis, selective, 4 (STHAG4). Also called: SUCCEDANEOUS TEETH, AGENESIS OF; TOOTH AGENESIS, SELECTIVE, 4, WITH OR WITHOUT ECTODERMAL DYSPLASIA; LATERAL INCISORS, ABSENCE OF; LATERAL INCISORS, PEGGED OR MISSING. Identifiers: Orphanet 99798, MedGen C1835492, MONDO:0007881, OMIM 150400. Disease mechanism: loss of function.
Odonto-onycho-dermal dysplasia. Identifiers: Orphanet 2721, MedGen C0796093, MONDO:0009773, OMIM 257980.
WNT10A-related disorder. Also called: WNT10A-related condition; WNT10A-related disorders.

Allele frequency attached by ClinVar (database versions not stated): ExAC 0.00003; TOPMed 0.00004; gnomAD 0.00005 and 0.00006; 1000 Genomes Project 30x 0.00016; 1000 Genomes Project 0.00020.

Submissions (3):

Labcorp Genetics (formerly Invitae), Labcorp
Classification: Uncertain significance for Tooth agenesis, selective, 4; Odonto-onycho-dermal dysplasia. Last evaluated: 2021-08-27. Review status: criteria provided, single submitter. Criteria: Invitae Variant Classification Sherloc (09022015). Collection method: clinical testing. Allele origin: germline.
Comment: This sequence change replaces arginine with tryptophan at codon 69 of the WNT10A protein (p.Arg69Trp). The arginine residue is highly conserved and there is a moderate physicochemical difference between arginine and tryptophan. This variant is present in population databases (rs200487809, ExAC 0.02%). This variant has not been reported in the literature in individuals affected with WNT10A-related conditions. Algorithms developed to predict the effect of missense changes on protein structure and function (SIFT, PolyPhen-2, Align-GVGD) all suggest that this variant is likely to be disruptive. In summary, the available evidence is currently insufficient to determine the role of this variant in disease. Therefore, it has been classified as a Variant of Uncertain Significance.

PreventionGenetics, part of Exact Sciences
Classification: Uncertain significance for WNT10A-related condition. Last evaluated: 2023-12-01. Review status: no assertion criteria provided. Collection method: clinical testing. Allele origin: germline. Not counted in ClinVar's aggregate classification.
Comment: The WNT10A c.205C>T variant is predicted to result in the amino acid substitution p.Arg69Trp. To our knowledge, this variant has not been reported in the literature. This variant is reported in 0.045% of alleles in individuals of East Asian descent in gnomAD. At this time, the clinical significance of this variant is uncertain due to the absence of conclusive functional and genetic evidence.

Natera, Inc.
Classification: Uncertain significance for Schopf-Schulz-Passarge syndrome. Last evaluated: 2019-11-11. Review status: no assertion criteria provided. Collection method: clinical testing. Allele origin: germline. Not counted in ClinVar's aggregate classification.

NM_025216.3(WNT10A):c.205C>T (p.Arg69Trp)

Gene: WNT10A (Wnt family member 10A; plus strand). Cytogenetic location: 2q35.
Variant type: single nucleotide variant.
Coding change: c.205C>T on transcript NM_025216.3 (MANE Select); coding-DNA position 205, C replaced by T.
Protein change: p.Arg69Trp; replaces arginine 69 with tryptophan.
Molecular consequence: missense variant.
Genome position (GRCh38, 1-based): chr2:218,882,252, C>T. VCF-style: chr2-218882252-C-T. GRCh37 (hg19) VCF-style: chr2-219746974-C-T.
Other names: short protein forms R69W.
Identifiers: ClinVar variation 582506 (VCV000582506.6), dbSNP rs200487809, ClinGen allele CA2113856.